The following is an entry in ClinVar:

NM_020631.6(PLEKHG5):c.-88+6191G>A

Gene: PLEKHG5 (pleckstrin homology and RhoGEF domain containing G5; minus strand). Cytogenetic location: 1p36.31.
Variant type: single nucleotide variant.
Coding change: c.-88+6191G>A on transcript NM_020631.6 (MANE Select); 6191 bases into the intron after 88 bases upstream of the start codon, G replaced by A.
Molecular consequence: intron variant. On other transcripts: 5 prime UTR variant (1).
Genome position (GRCh38, 1-based): chr1:6,485,446, C>T on the plus strand (G>A on the coding strand, the complement: PLEKHG5 is on the minus strand). VCF-style: chr1-6485446-C-T. GRCh37 (hg19) VCF-style: chr1-6545506-C-T.
Other names: c.-3G>A (NM_001265593.2); c.-87-7788G>A (NM_198681.4); c.25-7788G>A (NM_001042663.3, NM_001265592.2); c.-88+4999G>A (NM_001265594.3, NM_001042664.2); c.-88+390G>A (NM_001042665.2).
Identifiers: ClinVar variation 5001066 (VCV005001066.1).

ClinVar aggregate classification (germline): Likely benign (1 of 4 stars; one submission).

Conditions:
PLEKHG5-related disorder. Also called: PLEKHG5-related condition.

gnomAD v4.1: 43 of 1,268,880 alleles (0.0034%); highest among the groups gnomAD compares: Non-Finnish European, 0.0041%; no homozygotes.

Submission:

PreventionGenetics, part of Exact Sciences
Classification: Likely benign for PLEKHG5-related condition. Last evaluated: 2026-06-16. Review status: criteria provided, single submitter. Criteria: ACMG Guidelines, 2015. Collection method: clinical testing. Allele origin: germline.
Comment: This variant is classified as likely benign based on ACMG/AMP sequence variant interpretation guidelines (Richards et al. 2015 PMID: 25741868, with internal and published modifications).